The following is an entry in ClinVar:

ClinVar aggregate classification (germline): Uncertain significance. Review status: criteria provided, multiple submitters, no conflicts (2 of 4 stars). 2 submissions from 2 submitters: Uncertain significance (2). Last evaluated 2025-06-02.

Conditions:
Inborn genetic diseases. Identifiers: MedGen C0950123, MeSH D030342.

Allele frequency attached by ClinVar (database versions not stated): gnomAD 0.00001; gnomAD exomes 0.00008.
gnomAD v4.1: 106 of 1,539,758 alleles (0.0069%); highest among the groups gnomAD compares: Non-Finnish European, 0.0093%; no homozygotes.

Submissions (2):

Labcorp Genetics (formerly Invitae), Labcorp
Classification: Uncertain significance. Last evaluated: 2025-06-02. Review status: criteria provided, single submitter. Criteria: Invitae Variant Classification Sherloc (09022015). Collection method: clinical testing. Allele origin: germline.
Comment: This sequence change replaces proline, which is neutral and non-polar, with alanine, which is neutral and non-polar, at codon 2886 of the UNC80 protein (p.Pro2886Ala). This variant is not present in population databases (gnomAD no frequency). This variant has not been reported in the literature in individuals affected with UNC80-related conditions. ClinVar contains an entry for this variant (Variation ID: 1410581). Invitae Evidence Modeling of protein sequence and biophysical properties (such as structural, functional, and spatial information, amino acid conservation, physicochemical variation, residue mobility, and thermodynamic stability) indicates that this missense variant is not expected to disrupt UNC80 protein function with a negative predictive value of 80%. In summary, the available evidence is currently insufficient to determine the role of this variant in disease. Therefore, it has been classified as a Variant of Uncertain Significance.

Ambry Genetics
Classification: Uncertain significance for Inborn genetic diseases. Last evaluated: 2024-08-19. Review status: criteria provided, single submitter. Criteria: Ambry Variant Classification Scheme 2023. Collection method: clinical testing. Allele origin: germline.

NM_001371986.1(UNC80):c.8854C>G (p.Pro2952Ala)

Gene: UNC80 (unc-80 subunit of NALCN channel complex; plus strand). Cytogenetic location: 2q34.
Variant type: single nucleotide variant.
Coding change: c.8854C>G on transcript NM_001371986.1 (MANE Select); coding-DNA position 8854, C replaced by G.
Protein change: p.Pro2952Ala; replaces proline 2952 with alanine.
Molecular consequence: missense variant.
Genome position (GRCh38, 1-based): chr2:209,976,994, C>G. VCF-style: chr2-209976994-C-G. GRCh37 (hg19) VCF-style: chr2-210841718-C-G.
Other names: c.8656C>G (NM_032504.1); c.8656C>G, p.Pro2886Ala (NM_032504.2); c.8641C>G, p.Pro2881Ala (NM_182587.4); short protein forms P2886A, P2881A, P2952A.
Identifiers: ClinVar variation 1410581 (VCV001410581.5), dbSNP rs1025598097, ClinGen allele CA64658869.